The following is an entry in ClinVar:

ClinVar aggregate classification (germline): Pathogenic (1 of 4 stars; one submission).

Conditions:
Holocarboxylase synthetase deficiency. Also called: MULTIPLE CARBOXYLASE DEFICIENCY, EARLY ONSET. Identifiers: Orphanet 79242, MedGen C0268581, MONDO:0009666, OMIM 253270.

Submission:

Labcorp Genetics (formerly Invitae), Labcorp
Classification: Pathogenic for Holocarboxylase synthetase deficiency. Last evaluated: 2023-10-16. Review status: criteria provided, single submitter. Criteria: Invitae Variant Classification Sherloc (09022015). Collection method: clinical testing. Allele origin: germline.
Comment: This sequence change creates a premature translational stop signal (p.Gln173Argfs*85) in the HLCS gene. It is expected to result in an absent or disrupted protein product. Loss-of-function variants in HLCS are known to be pathogenic (PMID: 16134170). This variant is not present in population databases (gnomAD no frequency). This variant has not been reported in the literature in individuals affected with HLCS-related conditions. For these reasons, this variant has been classified as Pathogenic.

Literature cited by the submitters: PubMed 16134170.

NM_001352514.2(HLCS):c.958del (p.Gln320fs)

Gene: HLCS (holocarboxylase synthetase; minus strand). Cytogenetic location: 21q22.13.
Variant type: Deletion.
Coding change: c.958del on transcript NM_001352514.2 (MANE Select); coding-DNA position 958, one base deleted (C; older notation c.958delC).
Protein change: p.Gln320fs; shifts the reading frame from glutamine 320.
Molecular consequence: frameshift variant. On other transcripts: non-coding transcript variant (2).
Genome position (GRCh38, 1-based): chr21:36,936,928, G deleted on the plus strand (C on the coding strand, the reverse complement: HLCS is on the minus strand); the first of 3 consecutive G bases (chr21:36,936,928-36,936,930); deleting any one gives the same sequence. VCF-style (leftmost placement, unchanged base first): chr21-36936927-TG-T. GRCh37 (hg19) VCF-style: chr21-38309227-TG-T.
Other names: c.517del, p.Gln173fs (NM_000411.8, NM_001242784.3, NM_001242785.2 and 4 more transcripts); short protein forms Q173fs, Q320fs.
Identifiers: ClinVar variation 2676021 (VCV002676021.5), dbSNP rs2517579694, ClinGen allele CA2695201448.